The following is an entry in ClinVar:

NM_020442.6(VARS2):c.1557-5G>A

Gene: VARS2 (valyl-tRNA synthetase 2, mitochondrial; plus strand). Cytogenetic location: 6p21.33.
Variant type: single nucleotide variant.
Coding change: c.1557-5G>A on transcript NM_020442.6 (MANE Select); 5 bases into the intron before coding-DNA position 1557, G replaced by A.
Molecular consequence: intron variant.
Genome position (GRCh38, 1-based): chr6:30,921,225, G>A. VCF-style: chr6-30921225-G-A. GRCh37 (hg19) VCF-style: chr6-30889002-G-A.
Other names: c.1647-5G>A (NM_001167734.2); c.1137-5G>A (NM_001167733.3).
Identifiers: ClinVar variation 390420 (VCV000390420.1), dbSNP rs374619429, ClinGen allele CA3705961.

ClinVar aggregate classification (germline): Likely benign (1 of 4 stars; one submission).

Allele frequency attached by ClinVar (database versions not stated): gnomAD below 0.00001 and 0.00001; TOPMed below 0.00001; ESP Exome Variant Server 0.00008; gnomAD exomes 0.00008; ExAC 0.00012.
gnomAD v4.1: 67 of 1,613,980 alleles (0.0042%); highest among the groups gnomAD compares: South Asian, 0.061%; 1 homozygote.

Submission:

GeneDx
Classification: Likely benign. Last evaluated: 2016-11-04. Review status: criteria provided, single submitter. Criteria: GeneDx Variant Classification (06012015). Collection method: clinical testing. Allele origin: germline. Affected: yes.
Comment: This variant is considered likely benign or benign based on one or more of the following criteria: it is a conservative change, it occurs at a poorly conserved position in the protein, it is predicted to be benign by multiple in silico algorithms, and/or has population frequency not consistent with disease.